The following is an entry in ClinVar:

ClinVar aggregate classification (germline): Likely pathogenic. Review status: criteria provided, multiple submitters, no conflicts (2 of 4 stars). 3 submissions from 3 submitters: Likely pathogenic (2). 1 of the submissions does not count toward it. Last evaluated 2023-05-22.

Conditions:
Charcot-Marie-Tooth Neuropathy X. Identifiers: MedGen CN118851.
Charcot-Marie-Tooth disease. Also called: Charcot-Marie-Tooth Hereditary Neuropathy; Charcot-Marie-Tooth Neuropathy. Identifiers: Orphanet 166, MedGen C0007959, MONDO:0015626.

Submissions (3):

Labcorp Genetics (formerly Invitae), Labcorp
Classification: Likely pathogenic for Charcot-Marie-Tooth Neuropathy X. Last evaluated: 2023-05-22. Review status: criteria provided, single submitter. Criteria: Invitae Variant Classification Sherloc (09022015). Collection method: clinical testing. Allele origin: germline.
Comment: This variant disrupts the p.Cys201 amino acid residue in GJB1. Other variant(s) that disrupt this residue have been determined to be pathogenic (PMID: 9452025, 17100997). This suggests that this residue is clinically significant, and that variants that disrupt this residue are likely to be disease-causing. Advanced modeling of protein sequence and biophysical properties (such as structural, functional, and spatial information, amino acid conservation, physicochemical variation, residue mobility, and thermodynamic stability) performed at Invitae indicates that this missense variant is expected to disrupt GJB1 protein function. ClinVar contains an entry for this variant (Variation ID: 637602). This missense change has been observed in individuals with X-linked Charcot-Marie-Tooth disease (PMID: 12477701; Invitae). This variant is not present in population databases (gnomAD no frequency). This sequence change replaces cysteine, which is neutral and slightly polar, with tyrosine, which is neutral and polar, at codon 201 of the GJB1 protein (p.Cys201Tyr). In summary, the currently available evidence indicates that the variant is pathogenic, but additional data are needed to prove that conclusively. Therefore, this variant has been classified as Likely Pathogenic.

GeneDx
Classification: Likely pathogenic. Last evaluated: 2021-11-01. Review status: criteria provided, single submitter. Criteria: GeneDx Variant Classification Process June 2021. Collection method: clinical testing. Allele origin: germline. Affected: yes.
Comment: Not observed at significant frequency in large population cohorts (gnomAD); Missense variants in this gene are often considered pathogenic (HGMD); In silico analysis supports that this missense variant has a deleterious effect on protein structure/function; This variant is associated with the following publications: (PMID: 17100997, 9452025, 21291455, 12477701)

Inherited Neuropathy Consortium
Classification: Uncertain significance for Charcot-Marie-Tooth disease. Review status: no assertion criteria provided. Collection method: literature only. Allele origin: germline. Affected: yes. Not counted in ClinVar's aggregate classification.

Literature cited by the submitters: PubMed 9452025 (cited by Labcorp Genetics (formerly Invitae), Labcorp); PubMed 17100997 (cited by Labcorp Genetics (formerly Invitae), Labcorp); PubMed 12477701 (cited by Labcorp Genetics (formerly Invitae), Labcorp and Inherited Neuropathy Consortium).

NM_000166.6(GJB1):c.602G>A (p.Cys201Tyr)

Gene: GJB1 (gap junction protein beta 1; plus strand). Cytogenetic location: Xq13.1.
Variant type: single nucleotide variant.
Coding change: c.602G>A on transcript NM_000166.6 (MANE Select); coding-DNA position 602, G replaced by A.
Protein change: p.Cys201Tyr; replaces cysteine 201 with tyrosine.
Molecular consequence: missense variant.
Genome position (GRCh38, 1-based): chrX:71,224,309, G>A. VCF-style: chrX-71224309-G-A. GRCh37 (hg19) VCF-style: chrX-70444159-G-A.
Other names: c.602G>A, p.Cys201Tyr (NM_001097642.3); short protein forms C201Y.
Identifiers: ClinVar variation 637602 (VCV000637602.12), dbSNP rs1602349730, ClinGen allele CA413503269.
Genomic context (GRCh38, chrX:71,224,309, plus strand): 5'-TGTCCCGCCCCACCGAGAAAACCGTCTTCACCGTCTTCATGCTAGCTGCCTCTGGCATCT[G>A]CATCATCCTCAATGTGGCCGAGGTGGTGTACCTCATCATCCGGGCCTGTGCCCGCCGAGC-3'
Protein context (NP_000157.1, residues 191-211): TVFMLAASGI[Cys201Tyr]IILNVAEVVY